The following is an entry in ClinVar:

NM_015295.3(SMCHD1):c.3546G>T (p.Gln1182His)

Gene: SMCHD1 (structural maintenance of chromosomes flexible hinge domain containing 1; plus strand). Cytogenetic location: 18p11.32.
Variant type: single nucleotide variant.
Coding change: c.3546G>T on transcript NM_015295.3 (MANE Select); coding-DNA position 3546, G replaced by T.
Protein change: p.Gln1182His; replaces glutamine 1182 with histidine.
Molecular consequence: missense variant.
Genome position (GRCh38, 1-based): chr18:2,740,734, G>T. VCF-style: chr18-2740734-G-T. GRCh37 (hg19) VCF-style: chr18-2740732-G-T.
Other names: short protein forms Q1182H.
Identifiers: ClinVar variation 1393139 (VCV001393139.8), dbSNP rs757626505, ClinGen allele CA8871242.

ClinVar aggregate classification (germline): Uncertain significance (1 of 4 stars; one submission).

Conditions:
Facioscapulohumeral muscular dystrophy 2 (FSHD2). Also called: MUSCULAR DYSTROPHY, FACIOSCAPULOHUMERAL, TYPE 1B; FACIOSCAPULOHUMERAL MUSCULAR DYSTROPHY 2, DIGENIC; FSHD2, DIGENIC. Identifiers: Orphanet 269, MedGen C1834671, MONDO:0008031, OMIM 158901.

Allele frequency attached by ClinVar (database versions not stated): ExAC 0.00002; gnomAD 0.00002; gnomAD exomes 0.00002; TOPMed 0.00002.
gnomAD v4.1: 30 of 1,610,414 alleles (0.0019%); highest among the groups gnomAD compares: Non-Finnish European, 0.0025%; no homozygotes.

Submission:

Labcorp Genetics (formerly Invitae), Labcorp
Classification: Uncertain significance for Facioscapulohumeral muscular dystrophy 2. Last evaluated: 2025-04-01. Review status: criteria provided, single submitter. Criteria: Invitae Variant Classification Sherloc (09022015). Collection method: clinical testing. Allele origin: germline.
Comment: This sequence change replaces glutamine, which is neutral and polar, with histidine, which is basic and polar, at codon 1182 of the SMCHD1 protein (p.Gln1182His). This variant is present in population databases (rs757626505, gnomAD 0.004%). This variant has not been reported in the literature in individuals affected with SMCHD1-related conditions. ClinVar contains an entry for this variant (Variation ID: 1393139). Invitae Evidence Modeling of protein sequence and biophysical properties (such as structural, functional, and spatial information, amino acid conservation, physicochemical variation, residue mobility, and thermodynamic stability) indicates that this missense variant is not expected to disrupt SMCHD1 protein function with a negative predictive value of 80%. In summary, the available evidence is currently insufficient to determine the role of this variant in disease. Therefore, it has been classified as a Variant of Uncertain Significance.